The following is an entry in ClinVar:

ClinVar aggregate classification (germline): Uncertain significance. Review status: criteria provided, multiple submitters, no conflicts (2 of 4 stars). 3 submissions from 3 submitters: Uncertain significance (3). Last evaluated 2025-09-08.

Conditions:
Inborn genetic diseases. Identifiers: MedGen C0950123, MeSH D030342.

Allele frequency attached by ClinVar (database versions not stated): TOPMed below 0.00001; gnomAD 0.00001; gnomAD exomes 0.00001 and 0.00002; ExAC 0.00003.
gnomAD v4.1: 17 of 1,502,568 alleles (0.0011%); highest among the groups gnomAD compares: East Asian, 0.0025%; no homozygotes.

Submissions (3):

Labcorp Genetics (formerly Invitae), Labcorp
Classification: Uncertain significance. Last evaluated: 2025-09-08. Review status: criteria provided, single submitter. Criteria: Invitae Variant Classification Sherloc (09022015). Collection method: clinical testing. Allele origin: germline.
Comment: This sequence change replaces alanine, which is neutral and non-polar, with threonine, which is neutral and polar, at codon 743 of the DHX37 protein (p.Ala743Thr). The frequency data for this variant in the population databases is considered unreliable, as metrics indicate poor data quality at this position in the gnomAD database. This variant has not been reported in the literature in individuals affected with DHX37-related conditions. ClinVar contains an entry for this variant (Variation ID: 1176972). Invitae Evidence Modeling of protein sequence and biophysical properties (such as structural, functional, and spatial information, amino acid conservation, physicochemical variation, residue mobility, and thermodynamic stability) indicates that this missense variant is not expected to disrupt DHX37 protein function with a negative predictive value of 80%. In summary, the available evidence is currently insufficient to determine the role of this variant in disease. Therefore, it has been classified as a Variant of Uncertain Significance.

Ambry Genetics
Classification: Uncertain significance for Inborn genetic diseases. Last evaluated: 2025-05-18. Review status: criteria provided, single submitter. Criteria: Ambry Variant Classification Scheme 2023. Collection method: clinical testing. Allele origin: germline.

CeGaT Center for Human Genetics Tuebingen
Classification: Uncertain significance. Last evaluated: 2021-06-01. Review status: criteria provided, single submitter. Criteria: CeGaT Center For Human Genetics Tuebingen Variant Classification Criteria Version 2. Collection method: clinical testing. Allele origin: germline. Affected: yes. Observed: 1 variant allele.

NM_032656.4(DHX37):c.2227G>A (p.Ala743Thr)

Gene: DHX37 (DEAH-box helicase 37; minus strand). Cytogenetic location: 12q24.31.
Variant type: single nucleotide variant.
Coding change: c.2227G>A on transcript NM_032656.4 (MANE Select); coding-DNA position 2227, G replaced by A.
Protein change: p.Ala743Thr; replaces alanine 743 with threonine.
Molecular consequence: missense variant.
Genome position (GRCh38, 1-based): chr12:124,957,066, C>T on the plus strand (G>A on the coding strand, the complement: DHX37 is on the minus strand). VCF-style: chr12-124957066-C-T. GRCh37 (hg19) VCF-style: chr12-125441612-C-T.
Other names: c.2227G>A (NM_032656.3); short protein forms A743T.
Identifiers: ClinVar variation 1176972 (VCV001176972.37), dbSNP rs764393311, ClinGen allele CA6871712.